The following is an entry in ClinVar:

NM_002485.5(NBN):c.1993A>G (p.Lys665Glu)

Gene: NBN (nibrin; minus strand). Cytogenetic location: 8q21.3.
Variant type: single nucleotide variant.
Coding change: c.1993A>G on transcript NM_002485.5 (MANE Select); coding-DNA position 1993, A replaced by G.
Protein change: p.Lys665Glu; replaces lysine 665 with glutamic acid.
Molecular consequence: missense variant.
Genome position (GRCh38, 1-based): chr8:89,946,217, T>C on the plus strand (A>G on the coding strand, the complement: NBN is on the minus strand). VCF-style: chr8-89946217-T-C. GRCh37 (hg19) VCF-style: chr8-90958445-T-C.
Other names: c.1747A>G, p.Lys583Glu (NM_001024688.3); short protein forms K665E, K583E.
Identifiers: ClinVar variation 483965 (VCV000483965.17), dbSNP rs1554556544, ClinGen allele CA371676482.

ClinVar aggregate classification (germline): Conflicting classifications of pathogenicity. Review status: criteria provided, conflicting classifications (1 of 4 stars). 3 submissions from 3 submitters: Uncertain significance (2); Likely benign (1). Last evaluated 2024-03-02.

Conditions:
Hereditary cancer-predisposing syndrome. Also called: Hereditary neoplastic syndrome; Neoplastic Syndromes, Hereditary; Tumor predisposition; Hereditary Cancer Syndrome. Identifiers: Orphanet 140162, MedGen C0027672, MeSH D009386, MONDO:0015356.
Microcephaly, normal intelligence and immunodeficiency (NBS). Also called: IMMUNODEFICIENCY, MICROCEPHALY, AND CHROMOSOMAL INSTABILITY; SEEMANOVA SYNDROME II; Nijmegen breakage syndrome; Microcephaly with normal intelligence immunodeficiency and lymphoreticular malignancies; Nonsyndromal microcephaly autosomal recessive with normal intelligence; Seemanova syndrome 2. Identifiers: Orphanet 647, MedGen C0398791, MONDO:0009623, OMIM 251260.

Allele frequency attached by ClinVar (database versions not stated): gnomAD exomes below 0.00001.
gnomAD v4.1: 1 of 1,596,012 alleles (0.000063%); highest among the groups gnomAD compares: Non-Finnish European, 0.000086%; no homozygotes.

Submissions (3):

Labcorp Genetics (formerly Invitae), Labcorp
Classification: Uncertain significance for Microcephaly, normal intelligence and immunodeficiency. Last evaluated: 2024-03-02. Review status: criteria provided, single submitter. Criteria: Invitae Variant Classification Sherloc (09022015). Collection method: clinical testing. Allele origin: germline.
Comment: This sequence change replaces lysine, which is basic and polar, with glutamic acid, which is acidic and polar, at codon 665 of the NBN protein (p.Lys665Glu). This variant is not present in population databases (gnomAD no frequency). This variant has not been reported in the literature in individuals affected with NBN-related conditions. ClinVar contains an entry for this variant (Variation ID: 483965). Algorithms developed to predict the effect of missense changes on protein structure and function output the following: SIFT: "Not Available"; PolyPhen-2: "Benign"; Align-GVGD: "Not Available". The glutamic acid amino acid residue is found in multiple mammalian species, which suggests that this missense change does not adversely affect protein function. In summary, the available evidence is currently insufficient to determine the role of this variant in disease. Therefore, it has been classified as a Variant of Uncertain Significance.

Genome-Nilou Lab
Classification: Uncertain significance for Microcephaly, normal intelligence and immunodeficiency. Last evaluated: 2021-11-07. Review status: criteria provided, single submitter. Criteria: ACMG Guidelines, 2015. Collection method: clinical testing. Allele origin: germline. Affected: no.

Ambry Genetics
Classification: Likely benign for Hereditary cancer-predisposing syndrome. Last evaluated: 2016-07-15. Review status: criteria provided, single submitter. Criteria: Ambry Variant Classification Scheme 2023. Collection method: clinical testing. Allele origin: germline.